The following is an entry in ClinVar:

NM_005560.6(LAMA5):c.3376G>A (p.Val1126Met)

Gene: LAMA5 (laminin subunit alpha 5; minus strand). Cytogenetic location: 20q13.33.
Variant type: single nucleotide variant.
Coding change: c.3376G>A on transcript NM_005560.6 (MANE Select); coding-DNA position 3376, G replaced by A.
Protein change: p.Val1126Met; replaces valine 1126 with methionine.
Molecular consequence: missense variant.
Genome position (GRCh38, 1-based): chr20:62,332,624, C>T on the plus strand (G>A on the coding strand, the complement: LAMA5 is on the minus strand). VCF-style: chr20-62332624-C-T. GRCh37 (hg19) VCF-style: chr20-60907680-C-T.
Other names: c.3376G>A (NM_005560.3); short protein forms V1126M.
Identifiers: ClinVar variation 2417824 (VCV002417824.6), dbSNP rs375304709, ClinGen allele CA9943036.

ClinVar aggregate classification (germline): Uncertain significance. Review status: criteria provided, multiple submitters, no conflicts (2 of 4 stars). 2 submissions from 2 submitters: Uncertain significance (2). Last evaluated 2025-01-21.

Conditions:
Inborn genetic diseases. Identifiers: MedGen C0950123, MeSH D030342.

Allele frequency attached by ClinVar (database versions not stated): ExAC 0.00001; gnomAD exomes 0.00003; TOPMed 0.00003; gnomAD 0.00005; ESP Exome Variant Server 0.00008; 1000 Genomes Project 30x 0.00016; 1000 Genomes Project 0.00020.
gnomAD v4.1: 49 of 1,605,920 alleles (0.0031%); highest among the groups gnomAD compares: Non-Finnish European, 0.004%; no homozygotes.

Submissions (2):

Ambry Genetics
Classification: Uncertain significance for Inborn genetic diseases. Last evaluated: 2025-01-21. Review status: criteria provided, single submitter. Criteria: Ambry Variant Classification Scheme 2023. Collection method: clinical testing. Allele origin: germline.

Labcorp Genetics (formerly Invitae), Labcorp
Classification: Uncertain significance. Last evaluated: 2023-08-30. Review status: criteria provided, single submitter. Criteria: Invitae Variant Classification Sherloc (09022015). Collection method: clinical testing. Allele origin: germline.
Comment: ClinVar contains an entry for this variant (Variation ID: 2417824). In summary, the available evidence is currently insufficient to determine the role of this variant in disease. Therefore, it has been classified as a Variant of Uncertain Significance. An algorithm developed to predict the effect of missense changes on protein structure and function (PolyPhen-2) suggests that this variant is likely to be disruptive. This variant has not been reported in the literature in individuals affected with LAMA5-related conditions. This variant is present in population databases (rs375304709, gnomAD 0.005%). This sequence change replaces valine, which is neutral and non-polar, with methionine, which is neutral and non-polar, at codon 1126 of the LAMA5 protein (p.Val1126Met).